The following is an entry in ClinVar:

NM_000051.4(ATM):c.6211T>G (p.Leu2071Val)

Genes: ATM (ATM serine/threonine kinase; plus strand), C11orf65 (chromosome 11 open reading frame 65; minus strand). Cytogenetic location: 11q22.3.
Variant type: single nucleotide variant.
Coding change: c.6211T>G on transcript NM_000051.4 (MANE Select); coding-DNA position 6211, T replaced by G.
Protein change: p.Leu2071Val; replaces leucine 2071 with valine.
Molecular consequence: missense variant. On other transcripts: intron variant (2).
Genome position (GRCh38, 1-based): chr11:108,317,385, T>G. VCF-style: chr11-108317385-T-G. GRCh37 (hg19) VCF-style: chr11-108188112-T-G.
Other names: c.6211T>G, p.Leu2071Val (NM_001351834.2); c.641-8314A>C (NM_001330368.2); c.*39-8314A>C (NM_001351110.2); short protein forms L2071V.
Identifiers: ClinVar variation 826251 (VCV000826251.6), dbSNP rs928129862, ClinGen allele CA382551075.

ClinVar aggregate classification (germline): Uncertain significance. Review status: criteria provided, multiple submitters, no conflicts (2 of 4 stars). 2 submissions from 2 submitters: Uncertain significance (2). Last evaluated 2025-10-31.

Conditions:
Hereditary cancer-predisposing syndrome. Also called: Tumor predisposition; Neoplastic Syndromes, Hereditary; Hereditary Cancer Syndrome; Hereditary neoplastic syndrome. Identifiers: Orphanet 140162, MedGen C0027672, MeSH D009386, MONDO:0015356.
Ataxia-telangiectasia syndrome (AT). Also called: ATAXIA-TELANGIECTASIA, COMPLEMENTATION GROUP A; ATAXIA-TELANGIECTASIA, FRESNO VARIANT; Ataxia-telangiectasia; Ataxia-telangiectasia, complementation group D; AT, COMPLEMENTATION GROUP C; Ataxia-telangiectasia, complementation group E. Identifiers: Orphanet 100, MedGen C0004135, MONDO:0008840, OMIM 208900.

Submissions (2):

Labcorp Genetics (formerly Invitae), Labcorp
Classification: Uncertain significance for Ataxia-telangiectasia syndrome. Last evaluated: 2025-10-31. Review status: criteria provided, single submitter. Criteria: Invitae Variant Classification Sherloc (09022015). Collection method: clinical testing. Allele origin: germline.
Comment: This sequence change replaces leucine, which is neutral and non-polar, with valine, which is neutral and non-polar, at codon 2071 of the ATM protein (p.Leu2071Val). This variant is not present in population databases (gnomAD no frequency). This variant has not been reported in the literature in individuals affected with ATM-related conditions. ClinVar contains an entry for this variant (Variation ID: 826251). Invitae Evidence Modeling of protein sequence and biophysical properties (such as structural, functional, and spatial information, amino acid conservation, physicochemical variation, residue mobility, and thermodynamic stability) indicates that this missense variant is not expected to disrupt ATM protein function with a negative predictive value of 95%. In summary, the available evidence is currently insufficient to determine the role of this variant in disease. Therefore, it has been classified as a Variant of Uncertain Significance.

Ambry Genetics
Classification: Uncertain significance for Hereditary cancer-predisposing syndrome. Last evaluated: 2023-08-25. Review status: criteria provided, single submitter. Criteria: Ambry Variant Classification Scheme 2023. Collection method: clinical testing. Allele origin: germline.
Comment: The p.L2071V variant (also known as c.6211T>G), located in coding exon 42 of the ATM gene, results from a T to G substitution at nucleotide position 6211. The leucine at codon 2071 is replaced by valine, an amino acid with highly similar properties. This amino acid position is poorly conserved in available vertebrate species. In addition, this alteration is predicted to be tolerated by in silico analysis. Since supporting evidence is limited at this time, the clinical significance of this alteration remains unclear.